The following is an entry in ClinVar:

ClinVar aggregate classification (germline): Uncertain significance. Review status: criteria provided, multiple submitters, no conflicts (2 of 4 stars). 3 submissions from 3 submitters: Uncertain significance (3). Last evaluated 2025-11-02.

Conditions:
Inborn genetic diseases. Identifiers: MedGen C0950123, MeSH D030342.

Allele frequency attached by ClinVar (database versions not stated): gnomAD exomes 0.00001; TOPMed 0.00003; gnomAD 0.00004.

Submissions (3):

Ambry Genetics
Classification: Uncertain significance for Inborn genetic diseases. Last evaluated: 2025-11-02. Review status: criteria provided, single submitter. Criteria: Ambry Variant Classification Scheme 2023. Collection method: clinical testing. Allele origin: germline.

Labcorp Genetics (formerly Invitae), Labcorp
Classification: Uncertain significance. Last evaluated: 2024-01-29. Review status: criteria provided, single submitter. Criteria: Invitae Variant Classification Sherloc (09022015). Collection method: clinical testing. Allele origin: germline.
Comment: This sequence change replaces valine, which is neutral and non-polar, with methionine, which is neutral and non-polar, at codon 168 of the RP1L1 protein (p.Val168Met). This variant is present in population databases (no rsID available, gnomAD 0.003%). This variant has not been reported in the literature in individuals affected with RP1L1-related conditions. ClinVar contains an entry for this variant (Variation ID: 1490717). Advanced modeling of protein sequence and biophysical properties (such as structural, functional, and spatial information, amino acid conservation, physicochemical variation, residue mobility, and thermodynamic stability) performed at Invitae indicates that this missense variant is not expected to disrupt RP1L1 protein function with a negative predictive value of 80%. In summary, the available evidence is currently insufficient to determine the role of this variant in disease. Therefore, it has been classified as a Variant of Uncertain Significance.

Blueprint Genetics
Classification: Uncertain significance. Last evaluated: 2023-09-21. Review status: criteria provided, single submitter. Criteria: ACMG Guidelines, 2015. Collection method: clinical testing. Allele origin: germline.

NM_178857.6(RP1L1):c.502G>A (p.Val168Met)

Gene: RP1L1 (RP1 like 1). Cytogenetic location: 8p23.1.
Variant type: single nucleotide variant.
Coding change: c.502G>A on transcript NM_178857.6 (MANE Select); coding-DNA position 502, G replaced by A.
Protein change: p.Val168Met; replaces valine 168 with methionine.
Molecular consequence: missense variant.
Genome position (GRCh38, 1-based): chr8:10,622,700, C>T on the plus strand (G>A on the coding strand, the complement: RP1L1 is on the minus strand). VCF-style: chr8-10622700-C-T. GRCh37 (hg19) VCF-style: chr8-10480210-C-T.
Other names: c.502G>A (NM_178857.5); short protein forms V168M.
Identifiers: ClinVar variation 1490717 (VCV001490717.8), dbSNP rs1470101683, ClinGen allele CA370299975.